The following is an entry in ClinVar:

ClinVar aggregate classification (germline): Likely benign. Review status: criteria provided, multiple submitters, no conflicts (2 of 4 stars). 4 submissions from 4 submitters: Likely benign (4). Last evaluated 2025-06-04.

Conditions:
Inborn genetic diseases. Identifiers: MedGen C0950123, MeSH D030342.
Seizures, benign familial infantile, 3 (BFIS3). Also called: Familial neonatal seizures; CONVULSIONS, BENIGN FAMILIAL INFANTILE, 3. Identifiers: Orphanet 140927, Orphanet 306, MedGen C1843140, MONDO:0011904, OMIM 607745.
Developmental and epileptic encephalopathy, 11 (DEE11). Also called: Early infantile epileptic encephalopathy 11. Identifiers: Orphanet 1934, MedGen C3150987, MONDO:0013388, OMIM 613721.

Allele frequency attached by ClinVar (database versions not stated): gnomAD 0.00001; TOPMed 0.00002; ESP Exome Variant Server 0.00008.
gnomAD v4.1: 7 of 1,613,808 alleles (0.00043%); highest among the groups gnomAD compares: African/African-American, 0.0013%; no homozygotes.

Submissions (4):

Mayo Clinic Laboratories, Mayo Clinic
Classification: Likely benign. Last evaluated: 2025-06-04. Review status: criteria provided, single submitter. Criteria: ACMG Guidelines, 2015. Collection method: clinical testing. Allele origin: germline. Observed: 1 variant allele.
Comment: BP4, BP7

Labcorp Genetics (formerly Invitae), Labcorp
Classification: Likely benign for Seizures, benign familial infantile, 3; Developmental and epileptic encephalopathy, 11. Last evaluated: 2023-08-10. Review status: criteria provided, single submitter. Criteria: Invitae Variant Classification Sherloc (09022015). Collection method: clinical testing. Allele origin: germline.

GeneDx
Classification: Likely benign. Last evaluated: 2020-12-16. Review status: criteria provided, single submitter. Criteria: GeneDx Variant Classification Process June 2021. Collection method: clinical testing. Allele origin: germline. Affected: yes.

Ambry Genetics
Classification: Likely benign for Inborn genetic diseases. Last evaluated: 2018-07-31. Review status: criteria provided, single submitter. Criteria: Ambry Variant Classification Scheme 2023. Collection method: clinical testing. Allele origin: germline.

NM_001040142.2(SCN2A):c.3133C>T (p.Leu1045=)

Gene: SCN2A (sodium voltage-gated channel alpha subunit 2; plus strand). Cytogenetic location: 2q24.3.
Variant type: single nucleotide variant.
Coding change: c.3133C>T on transcript NM_001040142.2 (MANE Select); coding-DNA position 3133, C replaced by T.
Protein change: p.Leu1045=; no amino-acid change (leucine 1045 retained).
Molecular consequence: synonymous variant.
Genome position (GRCh38, 1-based): chr2:165,354,405, C>T. VCF-style: chr2-165354405-C-T. GRCh37 (hg19) VCF-style: chr2-166210915-C-T.
Other names: p.Leu1045=; c.3133C>T, p.Leu1045= (NM_001040143.2, NM_001371246.1, NM_001371247.1 and 1 more transcripts).
Identifiers: ClinVar variation 1122052 (VCV001122052.15), dbSNP rs369128399, ClinGen allele CA1940063.